The following is an entry in ClinVar:

ClinVar aggregate classification (germline): Uncertain significance (1 of 4 stars; one submission).

Conditions:
Gastrointestinal stromal tumor. Also called: Gastrointestinal stromal tumor, somatic; Gastrointestinal stroma tumor. Identifiers: Orphanet 44890, MedGen C0238198, MeSH D046152, MONDO:0011719, OMIM 606764, HP:0100723.

gnomAD v4.1: 1 of 1,608,664 alleles (0.000062%); highest among the groups gnomAD compares: Non-Finnish European, 0.000085%; no homozygotes.

Submission:

Labcorp Genetics (formerly Invitae), Labcorp
Classification: Uncertain significance for Gastrointestinal stromal tumor. Last evaluated: 2025-07-08. Review status: criteria provided, single submitter. Criteria: Invitae Variant Classification Sherloc (09022015). Collection method: clinical testing. Allele origin: germline.
Comment: This sequence change falls in intron 14 of the PDGFRA gene. It does not directly change the encoded amino acid sequence of the PDGFRA protein. This variant is not present in population databases (gnomAD no frequency). This variant has not been reported in the literature in individuals affected with PDGFRA-related conditions. ClinVar contains an entry for this variant (Variation ID: 3705293). Algorithms developed to predict the effect of sequence changes on RNA splicing suggest that this variant may create or strengthen a splice site. In summary, the available evidence is currently insufficient to determine the role of this variant in disease. Therefore, it has been classified as a Variant of Uncertain Significance.

NM_006206.6(PDGFRA):c.2003-17G>A

Gene: PDGFRA (platelet derived growth factor receptor alpha; plus strand). Cytogenetic location: 4q12.
Variant type: single nucleotide variant.
Coding change: c.2003-17G>A on transcript NM_006206.6 (MANE Select); 17 bases into the intron before coding-DNA position 2003, G replaced by A.
Molecular consequence: intron variant.
Genome position (GRCh38, 1-based): chr4:54,278,345, G>A. VCF-style: chr4-54278345-G-A. GRCh37 (hg19) VCF-style: chr4-55144512-G-A.
Other names: c.2078-17G>A (NM_001347828.2); c.2003-17G>A (NM_001347827.2, NM_001347829.2); c.2042-17G>A (NM_001347830.2).
Identifiers: ClinVar variation 3705293 (VCV003705293.2).